The following is an entry in ClinVar:

ClinVar aggregate classification (germline): Uncertain significance (1 of 4 stars; one submission).

Conditions:
KBG syndrome (KBGS). Also called: ANKRD11-Related KBG Syndrome. Identifiers: Orphanet 2332, MedGen C0220687, MONDO:0007846, OMIM 148050.

Submission:

Labcorp Genetics (formerly Invitae), Labcorp
Classification: Uncertain significance for KBG syndrome. Last evaluated: 2024-01-28. Review status: criteria provided, single submitter. Criteria: Invitae Variant Classification Sherloc (09022015). Collection method: clinical testing. Allele origin: germline.
Comment: This sequence change replaces isoleucine, which is neutral and non-polar, with methionine, which is neutral and non-polar, at codon 2310 of the ANKRD11 protein (p.Ile2310Met). This variant is not present in population databases (gnomAD no frequency). This variant has not been reported in the literature in individuals affected with ANKRD11-related conditions. Advanced modeling of protein sequence and biophysical properties (such as structural, functional, and spatial information, amino acid conservation, physicochemical variation, residue mobility, and thermodynamic stability) performed at Invitae indicates that this missense variant is not expected to disrupt ANKRD11 protein function with a negative predictive value of 95%. In summary, the available evidence is currently insufficient to determine the role of this variant in disease. Therefore, it has been classified as a Variant of Uncertain Significance.

NM_013275.6(ANKRD11):c.6930C>G (p.Ile2310Met)

Gene: ANKRD11 (ankyrin repeat domain 11; minus strand). Cytogenetic location: 16q24.3.
Variant type: single nucleotide variant.
Coding change: c.6930C>G on transcript NM_013275.6 (MANE Select); coding-DNA position 6930, C replaced by G.
Protein change: p.Ile2310Met; replaces isoleucine 2310 with methionine.
Molecular consequence: missense variant.
Genome position (GRCh38, 1-based): chr16:89,279,612, G>C on the plus strand (C>G on the coding strand, the complement: ANKRD11 is on the minus strand). VCF-style: chr16-89279612-G-C. GRCh37 (hg19) VCF-style: chr16-89346020-G-C.
Other names: c.6930C>G, p.Ile2310Met (NM_001256182.2, NM_001256183.2); short protein forms I2310M.
Identifiers: ClinVar variation 3633097 (VCV003633097.2).